The following is an entry in ClinVar:

NM_022168.4(IFIH1):c.1487C>A (p.Ala496Asp)

Gene: IFIH1 (interferon induced with helicase C domain 1; minus strand). Cytogenetic location: 2q24.2.
Variant type: single nucleotide variant.
Coding change: c.1487C>A on transcript NM_022168.4 (MANE Select); coding-DNA position 1487, C replaced by A.
Protein change: p.Ala496Asp; replaces alanine 496 with aspartic acid.
Molecular consequence: missense variant.
Genome position (GRCh38, 1-based): chr2:162,281,365, G>T on the plus strand (C>A on the coding strand, the complement: IFIH1 is on the minus strand). VCF-style: chr2-162281365-G-T. GRCh37 (hg19) VCF-style: chr2-163137875-G-T.
Other names: short protein forms A496D.
Identifiers: ClinVar variation 2173905 (VCV002173905.4), dbSNP rs773300726, ClinGen allele CA1934519.
Genomic context (GRCh38, chr2:162,281,365, plus strand): 5'-TTATACATAAAATTATGACTTACTTTTAAAATGTGTTCTTCAGCTTTGGCTTGCTTCGTG[G>T]CCCCTCCAACACCAGGTGAAGCTGTTAGTCCCAGTATCTGAGGAAGGGGAATCACTGGTT-3'
Protein context (NP_071451.2, residues 486-506): GLTASPGVGG[Ala496Asp]TKQAKAEEHI

ClinVar aggregate classification (germline): Uncertain significance (1 of 4 stars; one submission).

Conditions:
Singleton-Merten syndrome 1 (SGMRT1). Also called: Widened medullary cavities of bone, aortic calcification, abnormal dentition, and muscular weakness; Syndrome of widened medullary cavities of the metacarpals and phalanges, aortic calcification and abnormal dentition. Identifiers: Orphanet 85191, MedGen C4225427, MONDO:0024535, OMIM 182250.
Aicardi-Goutieres syndrome 7 (AGS7). Identifiers: Orphanet 51, MedGen C3888244, MONDO:0014367, OMIM 615846.

Allele frequency attached by ClinVar (database versions not stated): gnomAD exomes below 0.00001; ExAC 0.00001.
gnomAD v4.1: 2 of 1,612,550 alleles (0.00012%); highest among the groups gnomAD compares: Non-Finnish European, 0.00017%; no homozygotes.

Submission:

Labcorp Genetics (formerly Invitae), Labcorp
Classification: Uncertain significance for Aicardi-Goutieres syndrome 7; Singleton-Merten syndrome 1. Last evaluated: 2022-02-13. Review status: criteria provided, single submitter. Criteria: Invitae Variant Classification Sherloc (09022015). Collection method: clinical testing. Allele origin: germline.
Comment: In summary, the available evidence is currently insufficient to determine the role of this variant in disease. Therefore, it has been classified as a Variant of Uncertain Significance. Algorithms developed to predict the effect of missense changes on protein structure and function are either unavailable or do not agree on the potential impact of this missense change (SIFT: "Tolerated"; PolyPhen-2: "Probably Damaging"; Align-GVGD: "Class C0"). This variant has not been reported in the literature in individuals affected with IFIH1-related conditions. This variant is present in population databases (rs773300726, gnomAD 0.003%). This sequence change replaces alanine, which is neutral and non-polar, with aspartic acid, which is acidic and polar, at codon 496 of the IFIH1 protein (p.Ala496Asp).